The following is an entry in ClinVar:

NM_001369268.1(ACAN):c.456C>G (p.Gly152=)

Gene: ACAN (aggrecan; plus strand). Cytogenetic location: 15q26.1.
Variant type: single nucleotide variant.
Coding change: c.456C>G on transcript NM_001369268.1 (MANE Select); coding-DNA position 456, C replaced by G.
Protein change: p.Gly152=; no amino-acid change (glycine 152 retained).
Molecular consequence: synonymous variant.
Genome position (GRCh38, 1-based): chr15:88,840,013, C>G. VCF-style: chr15-88840013-C-G. GRCh37 (hg19) VCF-style: chr15-89383244-C-G.
Other names: c.456C>G, p.Gly152= (NM_001135.4, NM_001411096.1, NM_001411097.1 and 1 more transcripts).
Identifiers: ClinVar variation 2645670 (VCV002645670.24), dbSNP rs193277896, ClinGen allele CA492057711.
Genomic context (GRCh38, chr15:88,840,013, plus strand): 5'-GTGATCAGAGACTGTGCCTGACCAGCTCTTCCGCTTGTGGGCGTGTATGTGTCTTGCAGG[C>G]ATCGTGTTCCATTACAGAGCCATCTCTACACGCTACACCCTCGACTTTGACAGGGCGCAG-3'
Protein context (NP_001356197.1, residues 142-162): SEATLEVVVK[Gly152=]IVFHYRAIST

ClinVar aggregate classification (germline): Likely benign (1 of 4 stars; one submission).

Submission:

CeGaT Center for Human Genetics Tuebingen
Classification: Likely benign. Last evaluated: 2022-11-01. Review status: criteria provided, single submitter. Criteria: CeGaT Center For Human Genetics Tuebingen Variant Classification Criteria Version 2. Collection method: clinical testing. Allele origin: germline. Affected: yes. Observed: 1 variant allele.
Comment: ACAN: PM2:Supporting, BP4, BP7